The following is an entry in ClinVar:

NM_015450.3(POT1):c.535T>C (p.Phe179Leu)

Gene: POT1 (protection of telomeres 1; minus strand). Cytogenetic location: 7q31.33.
Variant type: single nucleotide variant.
Coding change: c.535T>C on transcript NM_015450.3 (MANE Select); coding-DNA position 535, T replaced by C.
Protein change: p.Phe179Leu; replaces phenylalanine 179 with leucine.
Molecular consequence: missense variant. On other transcripts: non-coding transcript variant (3).
Genome position (GRCh38, 1-based): chr7:124,863,361, A>G on the plus strand (T>C on the coding strand, the complement: POT1 is on the minus strand). VCF-style: chr7-124863361-A-G. GRCh37 (hg19) VCF-style: chr7-124503415-A-G.
Other names: c.142T>C, p.Phe48Leu (NM_001042594.2); short protein forms F48L, F179L.
Identifiers: ClinVar variation 1475606 (VCV001475606.11), dbSNP rs775453323, ClinGen allele CA4465439.

ClinVar aggregate classification (germline): Uncertain significance. Review status: criteria provided, multiple submitters, no conflicts (2 of 4 stars). 3 submissions from 3 submitters: Uncertain significance (3). Last evaluated 2025-09-10.

Conditions:
Tumor predisposition syndrome 3 (TPDS3). Also called: Melanoma, cutaneous malignant, susceptibility to, 10; LONG TELOMERE SYNDROME, POT1-RELATED; POT1 Tumor Predisposition; Glioma susceptibility 9. Identifiers: Orphanet 618, MedGen C4014476, MONDO:0014368, OMIM 615848.
Hereditary cancer-predisposing syndrome. Also called: Tumor predisposition; Neoplastic Syndromes, Hereditary; Hereditary Cancer Syndrome; Hereditary neoplastic syndrome. Identifiers: Orphanet 140162, MedGen C0027672, MeSH D009386, MONDO:0015356.

Allele frequency attached by ClinVar (database versions not stated): gnomAD exomes below 0.00001 and 0.00001; TOPMed below 0.00001; ExAC 0.00001.
gnomAD v4.1: 2 of 1,611,536 alleles (0.00012%); highest among the groups gnomAD compares: East Asian, 0.0022%; no homozygotes.

Submissions (3):

Labcorp Genetics (formerly Invitae), Labcorp
Classification: Uncertain significance for Tumor predisposition syndrome 3. Last evaluated: 2025-09-10. Review status: criteria provided, single submitter. Criteria: Invitae Variant Classification Sherloc (09022015). Collection method: clinical testing. Allele origin: germline.
Comment: This sequence change replaces phenylalanine, which is neutral and non-polar, with leucine, which is neutral and non-polar, at codon 179 of the POT1 protein (p.Phe179Leu). This variant is present in population databases (rs775453323, gnomAD 0.006%). This variant has not been reported in the literature in individuals affected with POT1-related conditions. ClinVar contains an entry for this variant (Variation ID: 1475606). Invitae Evidence Modeling of protein sequence and biophysical properties (such as structural, functional, and spatial information, amino acid conservation, physicochemical variation, residue mobility, and thermodynamic stability) indicates that this missense variant is not expected to disrupt POT1 protein function with a negative predictive value of 80%. In summary, the available evidence is currently insufficient to determine the role of this variant in disease. Therefore, it has been classified as a Variant of Uncertain Significance.

Ambry Genetics
Classification: Uncertain significance for Hereditary cancer-predisposing syndrome. Last evaluated: 2025-04-10. Review status: criteria provided, single submitter. Criteria: Ambry Variant Classification Scheme 2023. Collection method: clinical testing. Allele origin: germline.
Comment: The p.F179L variant (also known as c.535T>C), located in coding exon 4 of the POT1 gene, results from a T to C substitution at nucleotide position 535. The phenylalanine at codon 179 is replaced by leucine, an amino acid with highly similar properties. This amino acid position is not well conserved in available vertebrate species. In addition, this alteration is predicted to be tolerated by in silico analysis. Since supporting evidence is limited at this time, the clinical significance of this alteration remains unclear.

GeneDx
Classification: Uncertain significance. Last evaluated: 2024-05-31. Review status: criteria provided, single submitter. Criteria: GeneDx Variant Classification Process June 2021. Collection method: clinical testing. Allele origin: germline. Affected: yes.
Comment: Not observed at significant frequency in large population cohorts (gnomAD); In silico analysis indicates that this missense variant does not alter protein structure/function; Has not been previously published as pathogenic or benign to our knowledge; This variant is associated with the following publications: (PMID: 28393830)